The following is an entry in ClinVar:

NM_000059.4(BRCA2):c.1910-1124_1910-1121del

Gene: BRCA2 (BRCA2 DNA repair associated; plus strand). Cytogenetic location: 13q13.1.
Variant type: Deletion.
Coding change: c.1910-1124_1910-1121del on transcript NM_000059.4 (MANE Select); 1124 bases into the intron before coding-DNA position 1910 through 1121 bases into the intron before coding-DNA position 1910, 4 bases deleted (CAAG; older notation c.1910-1124_1910-1121delCAAG).
Molecular consequence: intron variant.
Genome position (GRCh38, 1-based): chr13:32,335,141-32,335,144, CAAG deleted. VCF-style (leftmost placement, unchanged base first): chr13-32335140-TCAAG-T. GRCh37 (hg19) VCF-style: chr13-32909277-TCAAG-T.
Other names: IVS 10-1124del4.
Identifiers: ClinVar variation 209680 (VCV000209680.1), dbSNP rs11571647, ClinGen allele CA276649.

ClinVar aggregate classification (germline): Benign (3 of 4 stars; one submission).

Conditions:
Breast-ovarian cancer, familial, susceptibility to, 2 (BROVCA2). Also called: BRCA2 Hereditary Breast and Ovarian Cancer. Identifiers: Orphanet 145, MedGen C2675520, MONDO:0012933, OMIM 612555. Disease mechanism: loss of function.

Allele frequency attached by ClinVar (database versions not stated): 1000 Genomes Project 0.00679; gnomAD 0.00728 and 0.00796; 1000 Genomes Project 30x 0.00734; TOPMed 0.00805.

Submission:

Evidence-based Network for the Interpretation of Germline Mutant Alleles (ENIGMA)
Classification: Benign for Breast-ovarian cancer, familial 2. Last evaluated: 2015-01-12. Review status: reviewed by expert panel. Criteria: ENIGMA BRCA1/2 Classification Criteria (2015). Collection method: curation. Allele origin: germline.
Comment: Class 1 not pathogenic based on frequency >1% in an outbred sampleset. Frequency 0.03 (African), derived from 1000 genomes (2012-04-30).